The following is an entry in ClinVar:

NM_000531.6(OTC):c.364_365insTT (p.Glu122fs)

Gene: OTC (ornithine transcarbamylase; plus strand). Cytogenetic location: Xp11.4.
Variant type: Insertion.
Coding change: c.364_365insTT on transcript NM_000531.6 (MANE Select); coding-DNA positions 364 to 365, TT inserted.
Protein change: p.Glu122fs; shifts the reading frame from glutamic acid 122.
Molecular consequence: frameshift variant.
Genome position: GRCh38 VCF-style: chrX-38381407-G-GTT. GRCh37 (hg19) VCF-style: chrX-38240660-G-GTT.
Other names: short protein forms E122fs.
Identifiers: ClinVar variation 97174 (VCV000097174.3), dbSNP rs72554355, ClinGen allele CA224562.
Genomic context (GRCh38, chrX:38,381,407, plus strand): 5'-GCACTTCTGGGAGGACATCCTTGTTTTCTTACCACACAAGATATTCATTTGGGTGTGAAT[G>GTT]AAAGTCTCACGGACACGGCCCGGTTTGTAAATATTTTCTTCTCTCCAAAGCTGATTTCAG-3'

ClinVar aggregate classification (germline): Likely pathogenic. Review status: criteria provided, single submitter (1 of 4 stars). 2 submissions from 2 submitters: Likely pathogenic (1). 1 of the submissions does not count toward it. Last evaluated 2020-07-23.

Conditions:
Ornithine carbamoyltransferase deficiency (OTCD). Also called: ORNITHINE TRANSCARBAMYLASE DEFICIENCY, HYPERAMMONEMIA DUE TO; ORNITHINE TRANSCARBAMYLASE DEFICIENCY; OTC DEFICIENCY; Ornithine Carbamoyltransferase Deficiency Disease. Identifiers: Orphanet 664, MedGen C0268542, MONDO:0010703, OMIM 311250.

Submissions (2):

Women's Health and Genetics/Laboratory Corporation of America, LabCorp
Classification: Likely pathogenic for Ornithine carbamoyltransferase deficiency. Last evaluated: 2020-07-23. Review status: criteria provided, single submitter. Criteria: LabCorp Variant Classification Summary - May 2015. Collection method: clinical testing. Allele origin: germline.
Comment: Variant summary: OTC c.364_365insTT (p.Glu122ValfsX66) results in a premature termination codon, predicted to cause a truncation of the encoded protein or absence of the protein due to nonsense mediated decay, which are commonly known mechanisms for disease. Truncations downstream of this position have been classified as pathogenic by our laboratory. The variant was absent in 182968 control chromosomes (gnomAD). This report does not provide unequivocal conclusions about association of the variant with Ornithine Transcarbamylase Deficiency. To our knowledge, no experimental evidence demonstrating an impact on protein function has been reported. No clinical diagnostic laboratories have submitted clinical-significance assessments for this variant to ClinVar after 2014. Based on the evidence outlined above, the variant was classified as likely pathogenic.

GenMed Metabolism Lab
Classification: Pathogenic. Review status: no assertion criteria provided. Collection method: not provided. Allele origin: unknown. Not counted in ClinVar's aggregate classification.
ClinVar note: Converted during submission from pathogenic to Pathogenic.

Literature cited by the submitters: PubMed 16786505 (cited by Women's Health and Genetics/Laboratory Corporation of America, LabCorp).